The following is an entry in ClinVar:

NM_004260.4(RECQL4):c.1478T>G (p.Leu493Arg)

Gene: RECQL4 (RecQ like helicase 4; minus strand). Cytogenetic location: 8q24.3.
Variant type: single nucleotide variant.
Coding change: c.1478T>G on transcript NM_004260.4 (MANE Select); coding-DNA position 1478, T replaced by G.
Protein change: p.Leu493Arg; replaces leucine 493 with arginine.
Molecular consequence: missense variant. On other transcripts: non-coding transcript variant (3).
Genome position (GRCh38, 1-based): chr8:144,515,155, A>C on the plus strand (T>G on the coding strand, the complement: RECQL4 is on the minus strand). VCF-style: chr8-144515155-A-C. GRCh37 (hg19) VCF-style: chr8-145740539-A-C.
Other names: c.1478T>G, p.Leu493Arg (NM_001413033.1, NM_001413036.1, NM_001413039.1 and 2 more transcripts); c.407T>G, p.Leu136Arg (NM_001413034.1, NM_001413035.1, NM_001413037.1 and 8 more transcripts); c.341T>G, p.Leu114Arg (NM_001413041.1, NM_001413027.1, NM_001413030.1 and 2 more transcripts); c.11T>G, p.Leu4Arg (NM_001413043.1); c.1382T>G, p.Leu461Arg (NM_001413017.1, NM_001413020.1); c.1349T>G, p.Leu450Arg (NM_001413025.1); c.1127T>G, p.Leu376Arg (NM_001413029.1); short protein forms L114R, L493R, L4R, L376R, L461R, L136R, L450R.
Identifiers: ClinVar variation 4628930 (VCV004628930.1).
Genomic context (GRCh38, chr8:144,515,155, plus strand): 5'-GCAGGGTTCTGCAGCCTGGCCTCAGCCCAGCCTCAGCCCTGGCAGCCACGCTCACCAGAC[A>C]GGATCCGCATGACTGCACGCTCCTGCCCAGGGCGAAAGGCTTGGTGCCCCAGCTGCTCCA-3'
Protein context (NP_004251.4, residues 483-503): PGQERAVMRI[Leu493Arg]SGISTLLVLP

ClinVar aggregate classification (germline): Uncertain significance (1 of 4 stars; one submission).

Conditions:
Inborn genetic diseases. Identifiers: MedGen C0950123, MeSH D030342.

Submission:

Ambry Genetics
Classification: Uncertain significance for Inborn genetic diseases. Last evaluated: 2025-09-26. Review status: criteria provided, single submitter. Criteria: Ambry Variant Classification Scheme 2023. Collection method: clinical testing. Allele origin: germline.
Comment: The p.L493R variant (also known as c.1478T>G), located in coding exon 8 of the RECQL4 gene, results from a T to G substitution at nucleotide position 1478. The leucine at codon 493 is replaced by arginine, an amino acid with dissimilar properties. This amino acid position is conserved. In addition, this alteration is predicted to be deleterious by in silico analysis. Based on the available evidence, the clinical significance of this variant remains unclear.